The following is an entry in ClinVar:

ClinVar aggregate classification (germline): Uncertain significance (0 of 4 stars; one submission).

Conditions:
SIM1-related disorder. Also called: SIM1-related condition; SIM1-related disorders.

gnomAD v4.1: 7 of 1,613,962 alleles (0.00043%); highest among the groups gnomAD compares: African/African-American, 0.008%; no homozygotes.

Submission:

PreventionGenetics, part of Exact Sciences
Classification: Uncertain significance for SIM1-related condition. Last evaluated: 2023-12-04. Review status: no assertion criteria provided. Collection method: clinical testing. Allele origin: germline.
Comment: The SIM1 c.1280G>T variant is predicted to result in the amino acid substitution p.Gly427Val. To our knowledge, this variant has not been reported in the literature. This variant is reported in 0.020% of alleles in individuals of African descent in gnomAD. At this time, the clinical significance of this variant is uncertain due to the absence of conclusive functional and genetic evidence.

NM_005068.3(SIM1):c.1280G>T (p.Gly427Val)

Genes: SIM1 (SIM bHLH transcription factor 1; minus strand), SIM1-AS1 (SIM1 antisense RNA 1; plus strand). Cytogenetic location: 6q16.3.
Variant type: single nucleotide variant.
Coding change: c.1280G>T on transcript NM_005068.3 (MANE Select); coding-DNA position 1280, G replaced by T.
Protein change: p.Gly427Val; replaces glycine 427 with valine.
Molecular consequence: missense variant. On other transcripts: non-coding transcript variant (1).
Genome position (GRCh38, 1-based): chr6:100,393,777, C>A on the plus strand (G>T on the coding strand, the complement: SIM1 is on the minus strand). VCF-style: chr6-100393777-C-A. GRCh37 (hg19) VCF-style: chr6-100841653-C-A.
Other names: c.1280G>T, p.Gly427Val (NM_001374769.1); short protein forms G427V.
Identifiers: ClinVar variation 3358600 (VCV003358600.1).